The following is an entry in ClinVar:

NM_001035.3(RYR2):c.13616G>C (p.Ser4539Thr)

Gene: RYR2 (ryanodine receptor 2; plus strand). Cytogenetic location: 1q43.
Variant type: single nucleotide variant.
Coding change: c.13616G>C on transcript NM_001035.3 (MANE Select); coding-DNA position 13616, G replaced by C.
Protein change: p.Ser4539Thr; replaces serine 4539 with threonine.
Molecular consequence: missense variant.
Genome position (GRCh38, 1-based): chr1:237,792,157, G>C. VCF-style: chr1-237792157-G-C. GRCh37 (hg19) VCF-style: chr1-237955457-G-C.
Other names: short protein forms S4539T.
Identifiers: ClinVar variation 2774416 (VCV002774416.2), dbSNP rs2527919470, ClinGen allele CA345417360.

ClinVar aggregate classification (germline): Uncertain significance (1 of 4 stars; one submission).

Conditions:
Cardiomyopathy (CMYO). Also called: Cardiomyopathies. Identifiers: Orphanet 167848, MedGen C0878544, MONDO:0004994, HP:0001638. Inheritance: Various modes of inheritance.

Submission:

Color Diagnostics, LLC DBA Color Health
Classification: Uncertain significance for Cardiomyopathy. Last evaluated: 2023-03-06. Review status: criteria provided, single submitter. Criteria: ACMG Guidelines, 2015. Collection method: clinical testing. Allele origin: germline.
Comment: This missense variant replaces serine with threonine at codon 4539 of the RYR2 protein. Computational prediction suggests that this variant may not impact protein structure and function (internally defined REVEL score threshold <= 0.5, PMID: 27666373). To our knowledge, functional studies have not been reported for this variant. This variant has not been reported in individuals affected with RYR2-related disorders in the literature. This variant has not been identified in the general population by the Genome Aggregation Database (gnomAD). The available evidence is insufficient to determine the role of this variant in disease conclusively. Therefore, this variant is classified as a Variant of Uncertain Significance.